The following is an entry in ClinVar:

NM_004646.4(NPHS1):c.1583G>T (p.Cys528Phe)

Gene: NPHS1 (NPHS1 adhesion molecule, nephrin; minus strand). Cytogenetic location: 19q13.12.
Variant type: single nucleotide variant.
Coding change: c.1583G>T on transcript NM_004646.4 (MANE Select); coding-DNA position 1583, G replaced by T.
Protein change: p.Cys528Phe; replaces cysteine 528 with phenylalanine.
Molecular consequence: missense variant.
Genome position (GRCh38, 1-based): chr19:35,846,052, C>A on the plus strand (G>T on the coding strand, the complement: NPHS1 is on the minus strand). VCF-style: chr19-35846052-C-A. GRCh37 (hg19) VCF-style: chr19-36336954-C-A.
Other names: short protein forms C528F.
Identifiers: ClinVar variation 56443 (VCV000056443.2), dbSNP rs386833885, ClinGen allele CA250127.

ClinVar aggregate classification (germline): Likely pathogenic (0 of 4 stars; one submission).

Conditions:
Finnish congenital nephrotic syndrome (NPHS1). Also called: NEPHROTIC SYNDROME, TYPE 1. Identifiers: Orphanet 839, MedGen C0403399, MONDO:0009732, OMIM 256300.

Submission:

Juha Muilu Group; Institute for Molecular Medicine Finland (FIMM)
Classification: Likely pathogenic for Finnish congenital nephrotic syndrome. Review status: no assertion criteria provided. Collection method: not provided. Allele origin: unknown.
Comment: FinDis database variant: FinDis database variant: This variant was not found or characterized by our laboratory, data were collected from public sources: see reference
ClinVar note: Converted during submission from probable-pathogenic to Likely pathogenic.